The following is an entry in ClinVar:

NC_000004.11:g.(?_122789116)_(122791468_?)del

Gene: BBS7 (Bardet-Biedl syndrome 7; minus strand). Cytogenetic location: 4q27.
Variant type: Deletion.
Identifiers: ClinVar variation 3246647 (VCV003246647.1).

ClinVar aggregate classification (germline): Pathogenic (1 of 4 stars; one submission).

Conditions:
Bardet-Biedl syndrome (BBS). Identifiers: Orphanet 110, MedGen C0752166, MONDO:0015229.

Submission:

Labcorp Genetics (formerly Invitae), Labcorp
Classification: Pathogenic for Bardet-Biedl syndrome. Last evaluated: 2023-09-29. Review status: criteria provided, single submitter. Criteria: Invitae Variant Classification Sherloc (09022015). Collection method: clinical testing. Allele origin: unknown.
Comment: This variant is a gross deletion of the genomic region encompassing exon(s) 1-2 of the BBS7 gene, which includes the initiator codon. This deletion extends beyond the assayed region for this gene and therefore may encompass additional genes. It is expected to result in an absent or disrupted protein product. Loss-of-function variants in BBS7 are known to be pathogenic (PMID: 12567324, 19402160, 21209035, 31196119). This variant has not been reported in the literature in individuals affected with BBS7-related conditions. For these reasons, this variant has been classified as Pathogenic.

Literature cited by the submitters: PubMed 12567324; PubMed 19402160; PubMed 21209035; PubMed 31196119.